The following is an entry in ClinVar:

ClinVar aggregate classification (germline): Uncertain significance (1 of 4 stars; one submission).

Conditions:
Rubinstein-Taybi syndrome due to EP300 haploinsufficiency. Also called: EP300-Related Rubinstein-Taybi Syndrome; RUBINSTEIN-TAYBI SYNDROME 2. Identifiers: Orphanet 353284, Orphanet 783, MedGen C3150941, MONDO:0013364, OMIM 613684.

Submission:

Victorian Clinical Genetics Services, Murdoch Childrens Research Institute
Classification: Uncertain significance for Rubinstein-Taybi syndrome due to EP300 haploinsufficiency. Last evaluated: 2026-06-02. Review status: criteria provided, single submitter. Criteria: ACMG Guidelines, 2015. Collection method: clinical testing. Allele origin: germline. Affected: yes.
Comment: This variant is classified as VUS-3A. Evidence in support of pathogenic classification: Canonical splice site variant without proven consequence on splicing (no functional evidence available); Variant is absent from gnomAD (v2, v3 and v4). Additional information: This variant is heterozygous; This gene is associated with autosomal dominant disease; This variant has no previous evidence of pathogenicity; No published evidence of segregation with disease has been identified for this variant; No published functional evidence has been identified for this variant; No comparable splice variants have previous evidence for pathogenicity; In silico prediction for abnormal splicing is inconclusive and the affected nucleotide is highly conserved; Loss of function is a known mechanism of disease in this gene and is associated with Rubinstein-Taybi syndrome 2 (RSTS; MIM#613684) and Menke-Hennekam syndrome 2 (MHS2; MIM#618333). Additionally, dominant negative is a suggested mechanism (PMIDs: 20301699, 24381114). Variants reported to cause RSTS are found throughout the protein, whereas the few variants reported for MHS are located in exon 31 (PMID: 29460469); Variants in this gene are known to have variable expressivity. Clinical features and developmental outcomes vary considerably between individuals with RSTS, with rare reports of pathogenic variants inherited from asymptomatic or mildly affected parents (PMID: 20301699).

Literature cited by the submitters: PubMed 20301699; PubMed 24381114; PubMed 29460469.

NM_001429.4(EP300):c.1168+2T>C

Gene: EP300 (EP300 lysine acetyltransferase; plus strand). Cytogenetic location: 22q13.2.
Variant type: single nucleotide variant.
Coding change: c.1168+2T>C on transcript NM_001429.4 (MANE Select); the canonical splice donor site of the intron after coding-DNA position 1168, T replaced by C.
Molecular consequence: splice donor variant.
Genome position (GRCh38, 1-based): chr22:41,127,750, T>C. VCF-style: chr22-41127750-T-C. GRCh37 (hg19) VCF-style: chr22-41523754-T-C.
Other names: c.1168+2T>C (NM_001362843.2).
Identifiers: ClinVar variation 4879688 (VCV004879688.1).